The following is an entry in ClinVar:

ClinVar aggregate classification (germline): Pathogenic. Review status: criteria provided, multiple submitters, no conflicts (2 of 4 stars). 2 submissions from 2 submitters: Pathogenic (2). Last evaluated 2025-01-20.

Submissions (2):

Labcorp Genetics (formerly Invitae), Labcorp
Classification: Pathogenic. Last evaluated: 2025-01-20. Review status: criteria provided, single submitter. Criteria: Invitae Variant Classification Sherloc (09022015). Collection method: clinical testing. Allele origin: germline.
Comment: This sequence change affects a donor splice site in intron 17 of the PHEX gene. It is expected to disrupt RNA splicing. Variants that disrupt the donor or acceptor splice site typically lead to a loss of protein function (PMID: 16199547), and loss-of-function variants in PHEX are known to be pathogenic (PMID: 9097956, 9106524, 19219621). This variant is not present in population databases (gnomAD no frequency). Disruption of this splice site has been observed in individual(s) with X-linked hypophosphatemia (PMID: 30607568, 34141703). This variant is also known as g.22212959G>T. ClinVar contains an entry for this variant (Variation ID: 872225). Algorithms developed to predict the effect of sequence changes on RNA splicing suggest that this variant may disrupt the consensus splice site. For these reasons, this variant has been classified as Pathogenic.

CeGaT Center for Human Genetics Tuebingen
Classification: Pathogenic. Last evaluated: 2018-06-01. Review status: criteria provided, single submitter. Criteria: CeGaT Center For Human Genetics Tuebingen Variant Classification Criteria Version 2. Collection method: clinical testing. Allele origin: germline. Affected: yes. Observed: 3 variant alleles.

Literature cited by the submitters: PubMed 16199547 (cited by Labcorp Genetics (formerly Invitae), Labcorp); PubMed 9097956 (cited by Labcorp Genetics (formerly Invitae), Labcorp); PubMed 9106524 (cited by Labcorp Genetics (formerly Invitae), Labcorp); PubMed 19219621 (cited by Labcorp Genetics (formerly Invitae), Labcorp); PubMed 30607568 (cited by Labcorp Genetics (formerly Invitae), Labcorp); PubMed 34141703 (cited by Labcorp Genetics (formerly Invitae), Labcorp).

NM_000444.6(PHEX):c.1768+1G>T

Genes: PHEX (phosphate regulating endopeptidase X-linked; plus strand), PTCHD1-AS (PTCHD1 and PHEX antisense RNA; minus strand). Cytogenetic location: Xp22.11.
Variant type: single nucleotide variant.
Coding change: c.1768+1G>T on transcript NM_000444.6 (MANE Select); the canonical splice donor site of the intron after coding-DNA position 1768, G replaced by T.
Molecular consequence: splice donor variant.
Genome position (GRCh38, 1-based): chrX:22,219,104, G>T. VCF-style: chrX-22219104-G-T. GRCh37 (hg19) VCF-style: chrX-22237221-G-T.
Other names: c.1768+1G>T (NM_001282754.2).
Identifiers: ClinVar variation 872225 (VCV000872225.44), dbSNP rs886041296, ClinGen allele CA412575861.